The following is an entry in ClinVar:

ClinVar aggregate classification (germline): Benign. Review status: criteria provided, multiple submitters, no conflicts (2 of 4 stars). 2 submissions from 2 submitters: Benign (2). Last evaluated 2018-01-13.

Conditions:
Combined immunodeficiency due to ZAP70 deficiency (IMD48). Also called: ZAP70 Deficiency; Immunodeficiency 48. Identifiers: Orphanet 911, MedGen C2931299, MONDO:0010023, OMIM 269840.

Allele frequency attached by ClinVar (database versions not stated): TOPMed 0.03228; 1000 Genomes Project 30x 0.03732; gnomAD 0.02864 and 0.03071; 1000 Genomes Project 0.03435.

Submissions (2):

Illumina Laboratory Services, Illumina
Classification: Benign for Combined immunodeficiency due to ZAP70 deficiency. Last evaluated: 2018-01-13. Review status: criteria provided, single submitter. Criteria: ICSL Variant Classification Criteria 13 December 2019. Collection method: clinical testing. Allele origin: germline.
Comment: This variant was observed in the ICSL laboratory as part of a predisposition screen in an ostensibly healthy population. It had not been previously curated by ICSL or reported in the Human Gene Mutation Database (HGMD: prior to June 1st, 2018), and was therefore a candidate for classification through an automated scoring system. Utilizing variant allele frequency, disease prevalence and penetrance estimates, and inheritance mode, an automated score was calculated to assess if this variant is too frequent to cause the disease. Based on the score and internal cut-off values, a variant classified as benign is not then subjected to further curation. The score for this variant resulted in a classification of benign for this disease.

Breakthrough Genomics
Classification: Benign. Review status: criteria provided, single submitter. Criteria: ACMG Guidelines, 2015. Collection method: not provided. Allele origin: germline. Inheritance: Autosomal recessive inheritance. Affected: yes.

NM_001079.4(ZAP70):c.-59T>C

Gene: ZAP70 (zeta chain of T cell receptor associated protein kinase 70; plus strand). Cytogenetic location: 2q11.2.
Variant type: single nucleotide variant.
Coding change: c.-59T>C on transcript NM_001079.4 (MANE Select); 59 bases upstream of the start codon, T replaced by C.
Molecular consequence: 5 prime UTR variant.
Genome position (GRCh38, 1-based): chr2:97,713,957, T>C. VCF-style: chr2-97713957-T-C. GRCh37 (hg19) VCF-style: chr2-98330420-T-C.
Other names: c.-59T>C (NM_001378594.1).
Identifiers: ClinVar variation 337625 (VCV000337625.6), dbSNP rs55637939, ClinGen allele CA10616601.